The following is an entry in ClinVar:

NM_000271.5(NPC1):c.210T>C (p.Asn70=)

Gene: NPC1 (NPC intracellular cholesterol transporter 1; minus strand). Cytogenetic location: 18q11.2.
Variant type: single nucleotide variant.
Coding change: c.210T>C on transcript NM_000271.5 (MANE Select); coding-DNA position 210, T replaced by C.
Protein change: p.Asn70=; no amino-acid change (asparagine 70 retained).
Molecular consequence: synonymous variant.
Genome position (GRCh38, 1-based): chr18:23,572,151, A>G on the plus strand (T>C on the coding strand, the complement: NPC1 is on the minus strand). VCF-style: chr18-23572151-A-G. GRCh37 (hg19) VCF-style: chr18-21152115-A-G.
Other names: p.Asn70=.
Identifiers: ClinVar variation 1104787 (VCV001104787.10), dbSNP rs1157753581, ClinGen allele CA503325828.

ClinVar aggregate classification (germline): Likely benign. Review status: criteria provided, multiple submitters, no conflicts (2 of 4 stars). 2 submissions from 2 submitters: Likely benign (2). Last evaluated 2025-03-24.

Conditions:
Niemann-Pick disease, type C1. Also called: NEUROVISCERAL STORAGE DISEASE WITH VERTICAL SUPRANUCLEAR OPHTHALMOPLEGIA; NIEMANN-PICK DISEASE WITH CHOLESTEROL ESTERIFICATION BLOCK; NIEMANN-PICK DISEASE WITHOUT SPHINGOMYELINASE DEFICIENCY; NIEMANN-PICK DISEASE, CHRONIC NEURONOPATHIC FORM; NIEMANN-PICK DISEASE, VARIANT TYPE C1. Identifiers: Orphanet 646, MedGen C3179455, MONDO:0009757, OMIM 257220.

Allele frequency attached by ClinVar (database versions not stated): gnomAD exomes below 0.00001; gnomAD 0.00001; TOPMed 0.00001.
gnomAD v4.1: 5 of 1,613,342 alleles (0.00031%); highest among the groups gnomAD compares: East Asian, 0.0045%; no homozygotes.

Submissions (2):

Mayo Clinic Laboratories, Mayo Clinic
Classification: Likely benign. Last evaluated: 2025-03-24. Review status: criteria provided, single submitter. Criteria: ACMG Guidelines, 2015. Collection method: clinical testing. Allele origin: germline. Observed: 1 variant allele.
Comment: BP4, BP7

Labcorp Genetics (formerly Invitae), Labcorp
Classification: Likely benign for Niemann-Pick disease, type C1. Last evaluated: 2024-11-11. Review status: criteria provided, single submitter. Criteria: Invitae Variant Classification Sherloc (09022015). Collection method: clinical testing. Allele origin: germline.